The following is an entry in ClinVar:

ClinVar aggregate classification (germline): Benign/Likely benign. Review status: criteria provided, multiple submitters, no conflicts (2 of 4 stars). 8 submissions from 8 submitters: Benign (4); Likely benign (3). 1 of the submissions does not count toward it. Last evaluated 2026-05-01.

Conditions:
RTTN-related disorder. Also called: RTTN-related condition.

Allele frequency attached by ClinVar (database versions not stated): 1000 Genomes Project 0.00419; 1000 Genomes Project 30x 0.00437; gnomAD 0.00528 and 0.00532; TOPMed 0.00535; ESP Exome Variant Server 0.00608; gnomAD exomes 0.00661; ExAC 0.00708.
gnomAD v4.1: 12,409 of 1,614,080 alleles (0.77%); highest among the groups gnomAD compares: Middle Eastern, 2%; 80 homozygotes.

Submissions (16):

CeGaT Center for Human Genetics Tuebingen
Classification: Benign. Last evaluated: 2026-05-01. Review status: criteria provided, single submitter. Criteria: CeGaT Center For Human Genetics Tuebingen Variant Classification Criteria Version 2. Collection method: clinical testing. Allele origin: germline. Affected: yes. Observed: 31 variant alleles.
Comment: RTTN: BP4, BS1, BS2

Labcorp Genetics (formerly Invitae), Labcorp
Classification: Benign. Last evaluated: 2026-02-01. Review status: criteria provided, single submitter. Criteria: Invitae Variant Classification Sherloc (09022015). Collection method: clinical testing. Allele origin: germline.

Genomic Medicine Center of Excellence, King Faisal Specialist Hospital and Research Centre
Classification: Likely benign. Last evaluated: 2025-08-18. Review status: criteria provided, single submitter. Criteria: ACMG Guidelines, 2015. Collection method: clinical testing. Allele origin: germline.

GeneDx
Classification: Benign. Last evaluated: 2017-03-22. Review status: criteria provided, single submitter. Criteria: GeneDx Variant Classification (06012015). Collection method: clinical testing. Allele origin: germline. Affected: yes.
Comment: This variant is considered likely benign or benign based on one or more of the following criteria: it is a conservative change, it occurs at a poorly conserved position in the protein, it is predicted to be benign by multiple in silico algorithms, and/or has population frequency not consistent with disease.

Center for Pediatric Genomic Medicine, Children's Mercy Hospital and Clinics
Classification: Likely benign. Last evaluated: 2016-09-20. Review status: criteria provided, single submitter. Criteria: ACMG Guidelines, 2015. Collection method: clinical testing. Allele origin: germline.
ClinVar note: Converted during submission from Likely Benign to Likely benign.

Genetic Services Laboratory, University of Chicago
Classification: Benign. Last evaluated: 2015-08-10. Review status: criteria provided, single submitter. Criteria: ACMG Guidelines, 2015. Collection method: clinical testing. Allele origin: germline.

Breakthrough Genomics
Classification: Likely benign. Review status: criteria provided, single submitter. Criteria: ACMG Guidelines, 2015. Collection method: not provided. Allele origin: germline. Inheritance: Autosomal recessive inheritance. Affected: yes.

PreventionGenetics, part of Exact Sciences
Classification: Likely benign for RTTN-related condition. Last evaluated: 2019-04-18. Review status: no assertion criteria provided. Collection method: clinical testing. Allele origin: germline. Not counted in ClinVar's aggregate classification.
Comment: This variant is classified as likely benign based on ACMG/AMP sequence variant interpretation guidelines (Richards et al. 2015 PMID: 25741868, with internal and published modifications).

Dr. Peter K. Rogan Lab, Western University
No classification provided (evidence only). Condition: Melanoma. Review status: no classification provided. Collection method: in vitro. Allele origin: not applicable. Functional consequence: retained intron. Not counted in ClinVar's aggregate classification.

Dr. Peter K. Rogan Lab, Western University
No classification provided (evidence only). Condition: Melanoma. Review status: no classification provided. Collection method: in vitro. Allele origin: not applicable. Functional consequence: retained intron. Not counted in ClinVar's aggregate classification.

Dr. Peter K. Rogan Lab, Western University
No classification provided (evidence only). Condition: Acute myeloid leukemia. Review status: no classification provided. Collection method: in vitro. Allele origin: not applicable. Functional consequence: retained intron. Not counted in ClinVar's aggregate classification.

Dr. Peter K. Rogan Lab, Western University
No classification provided (evidence only). Condition: Cervical cancer. Review status: no classification provided. Collection method: in vitro. Allele origin: not applicable. Functional consequence: retained intron. Not counted in ClinVar's aggregate classification.

Dr. Peter K. Rogan Lab, Western University
No classification provided (evidence only). Condition: Hepatocellular carcinoma. Review status: no classification provided. Collection method: in vitro. Allele origin: not applicable. Functional consequence: retained intron. Not counted in ClinVar's aggregate classification.

Dr. Peter K. Rogan Lab, Western University
No classification provided (evidence only). Condition: Nonpapillary renal cell carcinoma. Review status: no classification provided. Collection method: in vitro. Allele origin: not applicable. Functional consequence: retained intron. Not counted in ClinVar's aggregate classification.

Dr. Peter K. Rogan Lab, Western University
No classification provided (evidence only). Condition: Uveal melanoma. Review status: no classification provided. Collection method: in vitro. Allele origin: not applicable. Functional consequence: retained intron. Not counted in ClinVar's aggregate classification.

Dr. Peter K. Rogan Lab, Western University
No classification provided (evidence only). Condition: Uveal melanoma. Review status: no classification provided. Collection method: in vitro. Allele origin: not applicable. Functional consequence: retained intron. Not counted in ClinVar's aggregate classification.

NM_173630.4(RTTN):c.6038G>T (p.Cys2013Phe)

Gene: RTTN (rotatin; minus strand). Cytogenetic location: 18q22.2.
Variant type: single nucleotide variant.
Coding change: c.6038G>T on transcript NM_173630.4 (MANE Select); coding-DNA position 6038, G replaced by T.
Protein change: p.Cys2013Phe; replaces cysteine 2013 with phenylalanine.
Molecular consequence: missense variant.
Genome position (GRCh38, 1-based): chr18:70,020,730, C>A on the plus strand (G>T on the coding strand, the complement: RTTN is on the minus strand). VCF-style: chr18-70020730-C-A. GRCh37 (hg19) VCF-style: chr18-67687966-C-A.
Other names: c.3302G>T, p.Cys1101Phe (NM_001318520.2); short protein forms C2013F, C1101F.
Identifiers: ClinVar variation 130190 (VCV000130190.44), dbSNP rs145976466, ClinGen allele CA155022.